The following is an entry in ClinVar:

ClinVar aggregate classification (germline): Uncertain significance (1 of 4 stars; one submission).

gnomAD v4.1: 11 of 1,612,782 alleles (0.00068%); highest among the groups gnomAD compares: Non-Finnish European, 0.00093%; no homozygotes.

Submission:

Labcorp Genetics (formerly Invitae), Labcorp
Classification: Uncertain significance. Last evaluated: 2025-02-26. Review status: criteria provided, single submitter. Criteria: Invitae Variant Classification Sherloc (09022015). Collection method: clinical testing. Allele origin: germline.
Comment: This sequence change replaces alanine, which is neutral and non-polar, with valine, which is neutral and non-polar, at codon 393 of the RFX6 protein (p.Ala393Val). This variant is present in population databases (no rsID available, gnomAD 0.0009%). This variant has not been reported in the literature in individuals affected with RFX6-related conditions. Invitae Evidence Modeling of protein sequence and biophysical properties (such as structural, functional, and spatial information, amino acid conservation, physicochemical variation, residue mobility, and thermodynamic stability) indicates that this missense variant is expected to disrupt RFX6 protein function with a positive predictive value of 80%. In summary, the available evidence is currently insufficient to determine the role of this variant in disease. Therefore, it has been classified as a Variant of Uncertain Significance.

NM_173560.4(RFX6):c.1178C>T (p.Ala393Val)

Gene: RFX6 (regulatory factor X6; plus strand). Cytogenetic location: 6q22.1.
Variant type: single nucleotide variant.
Coding change: c.1178C>T on transcript NM_173560.4 (MANE Select); coding-DNA position 1178, C replaced by T.
Protein change: p.Ala393Val; replaces alanine 393 with valine.
Molecular consequence: missense variant.
Genome position (GRCh38, 1-based): chr6:116,919,292, C>T. VCF-style: chr6-116919292-C-T. GRCh37 (hg19) VCF-style: chr6-117240455-C-T.
Other names: short protein forms A393V.
Identifiers: ClinVar variation 4698867 (VCV004698867.1).